The following is an entry in ClinVar:

NM_001171.6(ABCC6):c.1388T>C (p.Leu463Pro)

Gene: ABCC6 (ATP binding cassette subfamily C member 6; minus strand). Cytogenetic location: 16p13.11.
Variant type: single nucleotide variant.
Coding change: c.1388T>C on transcript NM_001171.6 (MANE Select); coding-DNA position 1388, T replaced by C.
Protein change: p.Leu463Pro; replaces leucine 463 with proline.
Molecular consequence: missense variant. On other transcripts: non-coding transcript variant (1).
Genome position (GRCh38, 1-based): chr16:16,192,873, A>G on the plus strand (T>C on the coding strand, the complement: ABCC6 is on the minus strand). VCF-style: chr16-16192873-A-G. GRCh37 (hg19) VCF-style: chr16-16286730-A-G.
Other names: c.1046T>C, p.Leu349Pro (NM_001351800.1); short protein forms L349P, L463P.
Identifiers: ClinVar variation 2053544 (VCV002053544.4), dbSNP rs72653767, ClinGen allele CA394890044.

ClinVar aggregate classification (germline): Uncertain significance (1 of 4 stars; one submission).

Submission:

Labcorp Genetics (formerly Invitae), Labcorp
Classification: Uncertain significance. Last evaluated: 2022-01-06. Review status: criteria provided, single submitter. Criteria: Invitae Variant Classification Sherloc (09022015). Collection method: clinical testing. Allele origin: germline.
Comment: In summary, the available evidence is currently insufficient to determine the role of this variant in disease. Therefore, it has been classified as a Variant of Uncertain Significance. Algorithms developed to predict the effect of missense changes on protein structure and function are either unavailable or do not agree on the potential impact of this missense change (SIFT: "Deleterious"; PolyPhen-2: "Probably Damaging"; Align-GVGD: "Class C0"). This variant has not been reported in the literature in individuals affected with ABCC6-related conditions. This variant is not present in population databases (gnomAD no frequency). This sequence change replaces leucine, which is neutral and non-polar, with proline, which is neutral and non-polar, at codon 463 of the ABCC6 protein (p.Leu463Pro).